The following is an entry in ClinVar:

NM_014423.4(AFF4):c.1052A>C (p.Glu351Ala)

Gene: AFF4 (ALF transcription elongation factor 4; minus strand). Cytogenetic location: 5q31.1.
Variant type: single nucleotide variant.
Coding change: c.1052A>C on transcript NM_014423.4 (MANE Select); coding-DNA position 1052, A replaced by C.
Protein change: p.Glu351Ala; replaces glutamic acid 351 with alanine.
Molecular consequence: missense variant.
Genome position (GRCh38, 1-based): chr5:132,904,403, T>G on the plus strand (A>C on the coding strand, the complement: AFF4 is on the minus strand). VCF-style: chr5-132904403-T-G. GRCh37 (hg19) VCF-style: chr5-132240095-T-G.
Other names: short protein forms E351A.
Identifiers: ClinVar variation 3061462 (VCV003061462.2), dbSNP rs757657806, ClinGen allele CA3409244.

ClinVar aggregate classification (germline): Uncertain significance (0 of 4 stars; one submission).

Conditions:
AFF4-related disorder. Also called: AFF4-related condition.

Allele frequency attached by ClinVar (database versions not stated): gnomAD exomes below 0.00001; ExAC 0.00001; gnomAD 0.00001.
gnomAD v4.1: 2 of 1,607,584 alleles (0.00012%); highest among the groups gnomAD compares: Admixed American, 0.0034%; no homozygotes.

Submission:

PreventionGenetics, part of Exact Sciences
Classification: Uncertain significance for AFF4-related condition. Last evaluated: 2024-08-19. Review status: no assertion criteria provided. Collection method: clinical testing. Allele origin: germline.
Comment: The AFF4 c.1052A>C variant is predicted to result in the amino acid substitution p.Glu351Ala. To our knowledge, this variant has not been reported in the literature. This variant is reported in 0.0031% of alleles in individuals of Latino descent in gnomAD. At this time, the clinical significance of this variant is uncertain due to the absence of conclusive functional and genetic evidence.